The following is an entry in ClinVar:

NM_001282426.2(PIK3CG):c.135C>T (p.Pro45=)

Gene: PIK3CG (phosphatidylinositol-4,5-bisphosphate 3-kinase catalytic subunit gamma; plus strand). Cytogenetic location: 7q22.3.
Variant type: single nucleotide variant.
Coding change: c.135C>T on transcript NM_001282426.2 (MANE Select); coding-DNA position 135, C replaced by T.
Protein change: p.Pro45=; no amino-acid change (proline 45 retained).
Molecular consequence: synonymous variant.
Genome position (GRCh38, 1-based): chr7:106,867,696, C>T. VCF-style: chr7-106867696-C-T. GRCh37 (hg19) VCF-style: chr7-106508141-C-T.
Other names: c.135C>T, p.Pro45= (NM_001282427.2, NM_002649.3).
Identifiers: ClinVar variation 2499053 (VCV002499053.28), dbSNP rs770781486, ClinGen allele CA4429085.

ClinVar aggregate classification (germline): Likely benign (1 of 4 stars; one submission).

Allele frequency attached by ClinVar (database versions not stated): gnomAD 0.00001; gnomAD exomes 0.00001; ExAC 0.00002.
gnomAD v4.1: 8 of 1,613,142 alleles (0.0005%); highest among the groups gnomAD compares: East Asian, 0.016%; no homozygotes.

Submission:

CeGaT Center for Human Genetics Tuebingen
Classification: Likely benign. Last evaluated: 2023-02-01. Review status: criteria provided, single submitter. Criteria: CeGaT Center For Human Genetics Tuebingen Variant Classification Criteria Version 2. Collection method: clinical testing. Allele origin: germline. Affected: yes. Observed: 1 variant allele.
Comment: PIK3CG: BP4, BP7